The following is an entry in ClinVar:

NM_182920.2(ADAMTS9):c.1469G>A (p.Gly490Asp)

Gene: ADAMTS9 (ADAM metallopeptidase with thrombospondin type 1 motif 9; minus strand). Cytogenetic location: 3p14.1.
Variant type: single nucleotide variant.
Coding change: c.1469G>A on transcript NM_182920.2 (MANE Select); coding-DNA position 1469, G replaced by A.
Protein change: p.Gly490Asp; replaces glycine 490 with aspartic acid.
Molecular consequence: missense variant.
Genome position (GRCh38, 1-based): chr3:64,649,773, C>T on the plus strand (G>A on the coding strand, the complement: ADAMTS9 is on the minus strand). VCF-style: chr3-64649773-C-T. GRCh37 (hg19) VCF-style: chr3-64635449-C-T.
Other names: c.1385G>A, p.Gly462Asp (NM_001318781.2); short protein forms G462D, G490D.
Identifiers: ClinVar variation 1441159 (VCV001441159.8), dbSNP rs147650040, ClinGen allele CA2481517.
Genomic context (GRCh38, chr3:64,649,773, plus strand): 5'-AGTTGGACAGGCAAAGGGTAGGGTCTGGATTCAGGTTCGTTAAGCAAACACTCGCCATAA[C>T]CAGTGCTACGGAAACACACAGAAACACACAGATGGTGAGAACGGTGGCTGTCAAGGTCTC-3'
Protein context (NP_891550.1, residues 480-500): RKYITEFLDT[Gly490Asp]YGECLLNEPE

ClinVar aggregate classification (germline): Uncertain significance (1 of 4 stars; one submission).

Allele frequency attached by ClinVar (database versions not stated): gnomAD exomes 0.00020; ExAC 0.00023; gnomAD 0.00023 and 0.00024; TOPMed 0.00026; ESP Exome Variant Server 0.00046.
gnomAD v4.1: 465 of 1,613,186 alleles (0.029%); highest among the groups gnomAD compares: Non-Finnish European, 0.037%; no homozygotes.

Submission:

Labcorp Genetics (formerly Invitae), Labcorp
Classification: Uncertain significance. Last evaluated: 2022-07-19. Review status: criteria provided, single submitter. Criteria: Invitae Variant Classification Sherloc (09022015). Collection method: clinical testing. Allele origin: germline.
Comment: In summary, the available evidence is currently insufficient to determine the role of this variant in disease. Therefore, it has been classified as a Variant of Uncertain Significance. Algorithms developed to predict the effect of missense changes on protein structure and function (SIFT, PolyPhen-2, Align-GVGD) all suggest that this variant is likely to be disruptive. ClinVar contains an entry for this variant (Variation ID: 1441159). This variant has not been reported in the literature in individuals affected with ADAMTS9-related conditions. This variant is present in population databases (rs147650040, gnomAD 0.04%). This sequence change replaces glycine, which is neutral and non-polar, with aspartic acid, which is acidic and polar, at codon 490 of the ADAMTS9 protein (p.Gly490Asp).